The following is an entry in ClinVar:

NM_001557.4(CXCR2):c.944C>G (p.Ala315Gly)

Gene: CXCR2 (C-X-C motif chemokine receptor 2; plus strand). Cytogenetic location: 2q35.
Variant type: single nucleotide variant.
Coding change: c.944C>G on transcript NM_001557.4 (MANE Select); coding-DNA position 944, C replaced by G.
Protein change: p.Ala315Gly; replaces alanine 315 with glycine.
Molecular consequence: missense variant.
Genome position (GRCh38, 1-based): chr2:218,135,745, C>G. VCF-style: chr2-218135745-C-G. GRCh37 (hg19) VCF-style: chr2-219000468-C-G.
Other names: c.944C>G (NM_001557.3); c.944C>G, p.Ala315Gly (NM_001168298.2); short protein forms A315G.
Identifiers: ClinVar variation 1524023 (VCV001524023.6), dbSNP rs1690781220, ClinGen allele CA350532553.

ClinVar aggregate classification (germline): Uncertain significance. Review status: criteria provided, multiple submitters, no conflicts (2 of 4 stars). 2 submissions from 2 submitters: Uncertain significance (2). Last evaluated 2025-07-16.

Allele frequency attached by ClinVar (database versions not stated): gnomAD 0.00001.
gnomAD v4.1: 1 of 1,613,970 alleles (0.000062%); highest among the groups gnomAD compares: African/African-American, 0.0013%; no homozygotes.

Submissions (2):

Ambry Genetics
Classification: Uncertain significance. Last evaluated: 2025-07-16. Review status: criteria provided, single submitter. Criteria: Ambry Variant Classification Scheme 2023. Collection method: clinical testing. Allele origin: germline.

Labcorp Genetics (formerly Invitae), Labcorp
Classification: Uncertain significance. Last evaluated: 2022-08-19. Review status: criteria provided, single submitter. Criteria: Invitae Variant Classification Sherloc (09022015). Collection method: clinical testing. Allele origin: germline.
Comment: This sequence change replaces alanine, which is neutral and non-polar, with glycine, which is neutral and non-polar, at codon 315 of the CXCR2 protein (p.Ala315Gly). This variant is not present in population databases (gnomAD no frequency). This variant has not been reported in the literature in individuals affected with CXCR2-related conditions. ClinVar contains an entry for this variant (Variation ID: 1524023). Algorithms developed to predict the effect of missense changes on protein structure and function are either unavailable or do not agree on the potential impact of this missense change (SIFT: "Deleterious"; PolyPhen-2: "Possibly Damaging"; Align-GVGD: "Class C0"). In summary, the available evidence is currently insufficient to determine the role of this variant in disease. Therefore, it has been classified as a Variant of Uncertain Significance.